The following is an entry in ClinVar:

ClinVar aggregate classification (germline): Uncertain significance (1 of 4 stars; one submission).

Conditions:
Hereditary cancer-predisposing syndrome. Also called: Hereditary Cancer Syndrome; Hereditary neoplastic syndrome; Neoplastic Syndromes, Hereditary; Tumor predisposition. Identifiers: Orphanet 140162, MedGen C0027672, MeSH D009386, MONDO:0015356.

gnomAD v4.1: 1 of 1,614,064 alleles (0.000062%); highest among the groups gnomAD compares: Non-Finnish European, 0.000085%; no homozygotes.

Submission:

Ambry Genetics
Classification: Uncertain significance for Hereditary cancer-predisposing syndrome. Last evaluated: 2025-04-25. Review status: criteria provided, single submitter. Criteria: Ambry Variant Classification Scheme 2023. Collection method: clinical testing. Allele origin: germline.
Comment: The p.R417G variant (also known as c.1249C>G), located in coding exon 8 of the MSH3 gene, results from a C to G substitution at nucleotide position 1249. The arginine at codon 417 is replaced by glycine, an amino acid with dissimilar properties. This amino acid position is highly conserved in available vertebrate species. In addition, this alteration is predicted to be deleterious by in silico analysis. Based on the available evidence, the clinical significance of this variant remains unclear.

NM_002439.5(MSH3):c.1249C>G (p.Arg417Gly)

Gene: MSH3 (mutS homolog 3; plus strand). Cytogenetic location: 5q14.1.
Variant type: single nucleotide variant.
Coding change: c.1249C>G on transcript NM_002439.5 (MANE Select); coding-DNA position 1249, C replaced by G.
Protein change: p.Arg417Gly; replaces arginine 417 with glycine.
Molecular consequence: missense variant.
Genome position (GRCh38, 1-based): chr5:80,679,002, C>G. VCF-style: chr5-80679002-C-G. GRCh37 (hg19) VCF-style: chr5-79974821-C-G.
Other names: short protein forms R417G.
Identifiers: ClinVar variation 3913623 (VCV003913623.1).